The following is an entry in ClinVar:

NM_000719.7(CACNA1C):c.4858G>A (p.Ala1620Thr)

Genes: CACNA1C (calcium voltage-gated channel subunit alpha1 C; plus strand), CACNA1C-AS1 (CACNA1C antisense RNA 1; minus strand). Cytogenetic location: 12p13.33.
Variant type: single nucleotide variant.
Coding change: c.4858G>A on transcript NM_000719.7 (MANE Select); coding-DNA position 4858, G replaced by A.
Protein change: p.Ala1620Thr; replaces alanine 1620 with threonine.
Molecular consequence: missense variant. On other transcripts: non-coding transcript variant (1).
Genome position (GRCh38, 1-based): chr12:2,677,123, G>A. VCF-style: chr12-2677123-G-A. GRCh37 (hg19) VCF-style: chr12-2786289-G-A.
Other names: c.5002G>A, p.Ala1668Thr (NM_001129827.2, NM_199460.4); c.4981G>A, p.Ala1661Thr (NM_001129829.2); c.4858G>A, p.Ala1620Thr (NM_001129830.3, NM_001129840.2, NM_001129841.2 and 4 more transcripts); c.4942G>A, p.Ala1648Thr (NM_001129831.2); c.4918G>A, p.Ala1640Thr (NM_001129832.2); c.4915G>A, p.Ala1639Thr (NM_001129833.2, NM_001129834.2, NM_001129835.2); c.4909G>A, p.Ala1637Thr (NM_001129836.2); c.4882G>A, p.Ala1628Thr (NM_001129837.2, NM_001129838.2); and 3 more; short protein forms A1640T, A1609T, A1637T, A1617T, A1620T, A1628T, A1639T, A1648T.
Identifiers: ClinVar variation 939667 (VCV000939667.11), dbSNP rs2096864308, ClinGen allele CA383377950.

ClinVar aggregate classification (germline): Uncertain significance. Review status: criteria provided, multiple submitters, no conflicts (2 of 4 stars). 2 submissions from 2 submitters: Uncertain significance (2). Last evaluated 2022-12-19.

Conditions:
Long QT syndrome (LQTS). Identifiers: MedGen C0023976, MeSH D008133, MONDO:0002442. Disease mechanism: loss of function. Inheritance: Various modes of inheritance.

Allele frequency attached by ClinVar (database versions not stated): gnomAD exomes below 0.00001.
gnomAD v4.1: 1 of 1,613,274 alleles (0.000062%); highest among the groups gnomAD compares: Non-Finnish European, 0.000085%; no homozygotes.

Submissions (2):

GeneDx
Classification: Uncertain significance. Last evaluated: 2022-12-19. Review status: criteria provided, single submitter. Criteria: GeneDx Variant Classification Process June 2021. Collection method: clinical testing. Allele origin: germline. Affected: yes.
Comment: Not observed at significant frequency in large population cohorts (gnomAD); In silico analysis supports that this missense variant has a deleterious effect on protein structure/function; Has not been previously published as pathogenic or benign to our knowledge

Labcorp Genetics (formerly Invitae), Labcorp
Classification: Uncertain significance for Long QT syndrome. Last evaluated: 2019-07-17. Review status: criteria provided, single submitter. Criteria: Invitae Variant Classification Sherloc (09022015). Collection method: clinical testing. Allele origin: germline.
Comment: Algorithms developed to predict the effect of missense changes on protein structure and function are either unavailable or do not agree on the potential impact of this missense change (SIFT: "Deleterious"; PolyPhen-2: "Probably Damaging"; Align-GVGD: "Class C0"). This variant has not been reported in the literature in individuals with CACNA1C-related conditions. This variant is not present in population databases (ExAC no frequency). This sequence change replaces alanine with threonine at codon 1620 of the CACNA1C protein (p.Ala1620Thr). The alanine residue is highly conserved and there is a small physicochemical difference between alanine and threonine. In summary, the available evidence is currently insufficient to determine the role of this variant in disease. Therefore, it has been classified as a Variant of Uncertain Significance.